The following is an entry in ClinVar:

NM_024678.6(NARS2):c.1145A>C (p.Glu382Ala)

Genes: NARS2 (asparaginyl-tRNA synthetase 2, mitochondrial; minus strand), LOC130006506 (ATAC-STARR-seq lymphoblastoid active region 5325; plus strand). Cytogenetic location: 11q14.1.
Variant type: single nucleotide variant.
Coding change: c.1145A>C on transcript NM_024678.6 (MANE Select); coding-DNA position 1145, A replaced by C.
Protein change: p.Glu382Ala; replaces glutamic acid 382 with alanine.
Molecular consequence: missense variant.
Genome position (GRCh38, 1-based): chr11:78,465,895, T>G on the plus strand (A>C on the coding strand, the complement: NARS2 is on the minus strand). VCF-style: chr11-78465895-T-G. GRCh37 (hg19) VCF-style: chr11-78176941-T-G.
Other names: c.464A>C, p.Glu155Ala (NM_001243251.2); short protein forms E155A, E382A.
Identifiers: ClinVar variation 2522878 (VCV002522878.3), dbSNP rs1422236872, ClinGen allele CA382176011.

ClinVar aggregate classification (germline): Uncertain significance. Review status: criteria provided, multiple submitters, no conflicts (2 of 4 stars). 2 submissions from 2 submitters: Uncertain significance (2). Last evaluated 2024-12-05.

Conditions:
Inborn genetic diseases. Identifiers: MedGen C0950123, MeSH D030342.

Allele frequency attached by ClinVar (database versions not stated): gnomAD 0.00001; gnomAD exomes 0.00001; TOPMed 0.00001.
gnomAD v4.1: 14 of 1,614,046 alleles (0.00087%); highest among the groups gnomAD compares: East Asian, 0.016%; no homozygotes.

Submissions (2):

GeneDx
Classification: Uncertain significance. Last evaluated: 2024-12-05. Review status: criteria provided, single submitter. Criteria: GeneDx Variant Classification Process June 2021. Collection method: clinical testing. Allele origin: germline. Affected: yes.
Comment: In silico analysis supports that this missense variant has a deleterious effect on protein structure/function; Has not been previously published as pathogenic or benign to our knowledge

Ambry Genetics
Classification: Uncertain significance for Inborn genetic diseases. Last evaluated: 2023-05-24. Review status: criteria provided, single submitter. Criteria: Ambry Variant Classification Scheme 2023. Collection method: clinical testing. Allele origin: germline.